The following is an entry in ClinVar:

NM_003579.4(RAD54L):c.1448C>G (p.Pro483Arg)

Gene: RAD54L (RAD54 like; plus strand). Cytogenetic location: 1p34.1.
Variant type: single nucleotide variant.
Coding change: c.1448C>G on transcript NM_003579.4 (MANE Select); coding-DNA position 1448, C replaced by G.
Protein change: p.Pro483Arg; replaces proline 483 with arginine.
Molecular consequence: missense variant.
Genome position (GRCh38, 1-based): chr1:46,273,427, C>G. VCF-style: chr1-46273427-C-G. GRCh37 (hg19) VCF-style: chr1-46739099-C-G.
Other names: c.1448C>G, p.Pro483Arg (NM_001142548.2); c.908C>G, p.Pro303Arg (NM_001370766.1); short protein forms P303R, P483R.
Identifiers: ClinVar variation 1772837 (VCV001772837.5), dbSNP rs369282607, ClinGen allele CA834606.

ClinVar aggregate classification (germline): Uncertain significance. Review status: criteria provided, multiple submitters, no conflicts (2 of 4 stars). 2 submissions from 2 submitters: Uncertain significance (2). Last evaluated 2025-11-11.

Allele frequency attached by ClinVar (database versions not stated): ESP Exome Variant Server 0.00008; gnomAD 0.00003; gnomAD exomes 0.00003; ExAC 0.00001; TOPMed 0.00002.
gnomAD v4.1: 52 of 1,613,946 alleles (0.0032%); highest among the groups gnomAD compares: Non-Finnish European, 0.0042%; no homozygotes.

Submissions (2):

Dasa
Classification: Uncertain significance. Last evaluated: 2025-11-11. Review status: criteria provided, single submitter. Criteria: DASA Assertion Criteria. Collection method: clinical testing. Allele origin: germline.
Comment: NM_003579.4(RAD54L):c.1448C>G (p.Pro483Arg) is a missense variant that results in the substitution of proline with arginine. This variant is rare in population databases. Computational prediction algorithms are consistent with a benign effect. The currently available literature and clinical evidence are not sufficient to establish a definitive association between this variant and the reported condition. Therefore, this variant is classified as a variant of uncertain significance.

Ambry Genetics
Classification: Uncertain significance. Last evaluated: 2024-11-24. Review status: criteria provided, single submitter. Criteria: Ambry Variant Classification Scheme 2023. Collection method: clinical testing. Allele origin: germline.